The following is an entry in ClinVar:

ClinVar aggregate classification (germline): Uncertain significance. Review status: criteria provided, multiple submitters, no conflicts (2 of 4 stars). 3 submissions from 3 submitters: Uncertain significance (3). Last evaluated 2024-03-02.

Conditions:
Hereditary cancer-predisposing syndrome. Also called: Hereditary Cancer Syndrome; Hereditary neoplastic syndrome; Neoplastic Syndromes, Hereditary; Tumor predisposition. Identifiers: Orphanet 140162, MedGen C0027672, MeSH D009386, MONDO:0015356.
Nijmegen breakage syndrome-like disorder (NBSLD). Also called: MICROCEPHALY AND SPONTANEOUS CHROMOSOME INSTABILITY WITHOUT IMMUNODEFICIENCY; NBS-LIKE DISORDER; RAD50 DEFICIENCY. Identifiers: Orphanet 240760, MedGen C2751318, MONDO:0013118, OMIM 613078.

gnomAD v4.1: 2 of 1,614,162 alleles (0.00012%); highest among the groups gnomAD compares: Non-Finnish European, 0.00017%; no homozygotes.

Submissions (3):

Ambry Genetics
Classification: Uncertain significance for Hereditary cancer-predisposing syndrome. Last evaluated: 2024-03-02. Review status: criteria provided, single submitter. Criteria: Ambry Variant Classification Scheme 2023. Collection method: clinical testing. Allele origin: germline.
Comment: The p.A1209T variant (also known as c.3625G>A), located in coding exon 24 of the RAD50 gene, results from a G to A substitution at nucleotide position 3625. The alanine at codon 1209 is replaced by threonine, an amino acid with similar properties. This amino acid position is highly conserved in available vertebrate species. In addition, the in silico prediction for this alteration is inconclusive. Since supporting evidence is limited at this time, the clinical significance of this alteration remains unclear.

Baylor Genetics
Classification: Uncertain significance for Nijmegen breakage syndrome-like disorder. Last evaluated: 2021-08-14. Review status: criteria provided, single submitter. Criteria: ACMG Guidelines, 2015. Collection method: clinical testing. Allele origin: unknown.

Labcorp Genetics (formerly Invitae), Labcorp
Classification: Uncertain significance for Hereditary cancer-predisposing syndrome. Last evaluated: 2021-08-09. Review status: criteria provided, single submitter. Criteria: Invitae Variant Classification Sherloc (09022015). Collection method: clinical testing. Allele origin: germline.
Comment: In summary, this variant is a novel missense change with uncertain impact on protein function. It has been classified as a Variant of Uncertain Significance. This sequence change replaces alanine with threonine at codon 1209 of the RAD50 protein (p.Ala1209Thr). The alanine residue is highly conserved and there is a small physicochemical difference between alanine and threonine. This variant is not present in population databases (ExAC no frequency) and has not been reported in the literature in individuals with a RAD50-related disease. Algorithms developed to predict the effect of missense changes on protein structure and function do not agree on the potential impact of this missense change (SIFT: "Deleterious"; PolyPhen-2: "Probably Damaging"; Align-GVGD: "Class C0").

NM_005732.4(RAD50):c.3625G>A (p.Ala1209Thr)

Genes: RAD50 (RAD50 double strand break repair protein; plus strand), TH2-LCR (Th2 cytokine locus control region; plus strand), TH2LCRR (T helper type 2 locus control region associated RNA; minus strand). Cytogenetic location: 5q31.1.
Variant type: single nucleotide variant.
Coding change: c.3625G>A on transcript NM_005732.4 (MANE Select); coding-DNA position 3625, G replaced by A.
Protein change: p.Ala1209Thr; replaces alanine 1209 with threonine.
Molecular consequence: missense variant.
Genome position (GRCh38, 1-based): chr5:132,640,678, G>A. VCF-style: chr5-132640678-G-A. GRCh37 (hg19) VCF-style: chr5-131976370-G-A.
Other names: short protein forms A1209T.
Identifiers: ClinVar variation 408358 (VCV000408358.16), dbSNP rs1060501944, ClinGen allele CA16611788.